The following is an entry in ClinVar:

ClinVar aggregate classification (germline): Uncertain significance. Review status: criteria provided, single submitter (1 of 4 stars). 2 submissions from 2 submitters: Uncertain significance (1). 1 of the submissions does not count toward it. Last evaluated 2024-04-19.

Conditions:
Fanconi anemia complementation group A (FANCA). Also called: Fanconi anemia, group A; FANCA-Related Fanconi Anemia. Identifiers: Orphanet 84, MedGen C3469521, MONDO:0009215, OMIM 227650.

Allele frequency attached by ClinVar (database versions not stated): gnomAD 0.00001; TOPMed 0.00001.
gnomAD v4.1: 2 of 1,613,892 alleles (0.00012%); highest among the groups gnomAD compares: African/African-American, 0.0027%; no homozygotes.

Submissions (2):

Fulgent Genetics
Classification: Uncertain significance for Fanconi anemia complementation group A. Last evaluated: 2024-04-19. Review status: criteria provided, single submitter. Criteria: ACMG Guidelines, 2015. Collection method: clinical testing. Allele origin: germline.

Leiden Open Variation Database
Classification: Uncertain significance for Fanconi anemia complementation group A. Last evaluated: 2020-02-28. Review status: no assertion criteria provided. Collection method: curation. Allele origin: germline. Affected: yes. Not counted in ClinVar's aggregate classification.
Comment: Curator: Arleen D. Auerbach. Submitter to LOVD: Arleen D. Auerbach.

Literature cited by the submitters: PubMed 23613520 (cited by Leiden Open Variation Database).

NM_000135.4(FANCA):c.1566G>A (p.Lys522=)

Gene: FANCA (FA complementation group A; minus strand). Cytogenetic location: 16q24.3.
Variant type: single nucleotide variant.
Coding change: c.1566G>A on transcript NM_000135.4 (MANE Select); coding-DNA position 1566, G replaced by A.
Protein change: p.Lys522=; no amino-acid change (lysine 522 retained).
Molecular consequence: synonymous variant.
Genome position (GRCh38, 1-based): chr16:89,783,007, C>T on the plus strand (G>A on the coding strand, the complement: FANCA is on the minus strand). VCF-style: chr16-89783007-C-T. GRCh37 (hg19) VCF-style: chr16-89849415-C-T.
Other names: c.1566G>A, p.Lys522= (NM_001286167.3).
Identifiers: ClinVar variation 974314 (VCV000974314.2), dbSNP rs1276716915, ClinGen allele CA497190112.